The following is an entry in ClinVar:

NM_001018115.3(FANCD2):c.3920A>G (p.Lys1307Arg)

Genes: FANCD2 (FA complementation group D2; plus strand), FANCD2OS (FANCD2 opposite strand; minus strand). Cytogenetic location: 3p25.3.
Variant type: single nucleotide variant.
Coding change: c.3920A>G on transcript NM_001018115.3 (MANE Select); coding-DNA position 3920, A replaced by G.
Protein change: p.Lys1307Arg; replaces lysine 1307 with arginine.
Molecular consequence: missense variant. On other transcripts: intron variant (1).
Genome position (GRCh38, 1-based): chr3:10,094,320, A>G. VCF-style: chr3-10094320-A-G. GRCh37 (hg19) VCF-style: chr3-10136004-A-G.
Other names: c.3920A>G, p.Lys1307Arg (NM_001319984.2, NM_033084.6); c.3809A>G, p.Lys1270Arg (NM_001374253.1); c.3881A>G, p.Lys1294Arg (NM_001374254.1); c.*43+9878T>C (NM_173472.2); short protein forms K1270R, K1307R, K1294R.
Identifiers: ClinVar variation 4743205 (VCV004743205.1).
Genomic context (GRCh38, chr3:10,094,320, plus strand): 5'-AGAGGTAACAGTGTGTCTCTCTTCTTCAGTATGGGCGTCTCTTTGTGGAAGCATTTCTGA[A>G]GCAATGTATGCCGCTCCTAGACTTCAGTTTTAGAAAACACCGGGTAAGAGCTAAGAGCAG-3'
Protein context (NP_001018125.1, residues 1297-1317): YGRLFVEAFL[Lys1307Arg]QCMPLLDFSF

ClinVar aggregate classification (germline): Uncertain significance (1 of 4 stars; one submission).

Conditions:
Fanconi anemia (FA). Also called: Fanconi's anemia. Identifiers: Orphanet 84, MedGen C0015625, MeSH D005199, MONDO:0019391.

gnomAD v4.1: 1 of 1,614,088 alleles (0.000062%); highest among the groups gnomAD compares: South Asian, 0.0011%; no homozygotes.

Submission:

Labcorp Genetics (formerly Invitae), Labcorp
Classification: Uncertain significance for Fanconi anemia. Last evaluated: 2025-03-01. Review status: criteria provided, single submitter. Criteria: Invitae Variant Classification Sherloc (09022015). Collection method: clinical testing. Allele origin: germline.
Comment: This sequence change replaces lysine, which is basic and polar, with arginine, which is basic and polar, at codon 1307 of the FANCD2 protein (p.Lys1307Arg). This variant is not present in population databases (gnomAD no frequency). This variant has not been reported in the literature in individuals affected with FANCD2-related conditions. Invitae Evidence Modeling of protein sequence and biophysical properties (such as structural, functional, and spatial information, amino acid conservation, physicochemical variation, residue mobility, and thermodynamic stability) indicates that this missense variant is not expected to disrupt FANCD2 protein function with a negative predictive value of 80%. Algorithms developed to predict the effect of sequence changes on RNA splicing suggest that this variant may disrupt the consensus splice site. In summary, the available evidence is currently insufficient to determine the role of this variant in disease. Therefore, it has been classified as a Variant of Uncertain Significance.